The following is an entry in ClinVar:

ClinVar aggregate classification (germline): Uncertain significance. Review status: criteria provided, multiple submitters, no conflicts (2 of 4 stars). 2 submissions from 2 submitters: Uncertain significance (2). Last evaluated 2025-01-19.

Conditions:
Cardiovascular phenotype. Identifiers: MedGen CN230736.
Brugada syndrome 8 (BRGDA8). Identifiers: Orphanet 130, MedGen C2751083, MONDO:0013148, OMIM 613123.

Submissions (2):

Labcorp Genetics (formerly Invitae), Labcorp
Classification: Uncertain significance for Brugada syndrome 8. Last evaluated: 2025-01-19. Review status: criteria provided, single submitter. Criteria: Invitae Variant Classification Sherloc (09022015). Collection method: clinical testing. Allele origin: germline.
Comment: This sequence change replaces leucine, which is neutral and non-polar, with histidine, which is basic and polar, at codon 1118 of the HCN4 protein (p.Leu1118His). This variant is not present in population databases (gnomAD no frequency). This variant has not been reported in the literature in individuals affected with HCN4-related conditions. ClinVar contains an entry for this variant (Variation ID: 1730533). Invitae Evidence Modeling of protein sequence and biophysical properties (such as structural, functional, and spatial information, amino acid conservation, physicochemical variation, residue mobility, and thermodynamic stability) indicates that this missense variant is not expected to disrupt HCN4 protein function with a negative predictive value of 95%. In summary, the available evidence is currently insufficient to determine the role of this variant in disease. Therefore, it has been classified as a Variant of Uncertain Significance.

Ambry Genetics
Classification: Uncertain significance for Cardiovascular phenotype. Last evaluated: 2020-08-17. Review status: criteria provided, single submitter. Criteria: Ambry Variant Classification Scheme 2023. Collection method: clinical testing. Allele origin: germline.
Comment: The p.L1118H variant (also known as c.3353T>A), located in coding exon 8 of the HCN4 gene, results from a T to A substitution at nucleotide position 3353. The leucine at codon 1118 is replaced by histidine, an amino acid with similar properties. This amino acid position is not well conserved in available vertebrate species, and histidine is the reference amino acid in other vertebrate species. In addition, this alteration is predicted to be tolerated by in silico analysis. Since supporting evidence is limited at this time, the clinical significance of this alteration remains unclear.

NM_005477.3(HCN4):c.3353T>A (p.Leu1118His)

Gene: HCN4 (hyperpolarization activated cyclic nucleotide gated potassium channel 4; minus strand). Cytogenetic location: 15q24.1.
Variant type: single nucleotide variant.
Coding change: c.3353T>A on transcript NM_005477.3 (MANE Select); coding-DNA position 3353, T replaced by A.
Protein change: p.Leu1118His; replaces leucine 1118 with histidine.
Molecular consequence: missense variant.
Genome position (GRCh38, 1-based): chr15:73,322,740, A>T on the plus strand (T>A on the coding strand, the complement: HCN4 is on the minus strand). VCF-style: chr15-73322740-A-T. GRCh37 (hg19) VCF-style: chr15-73615081-A-T.
Other names: short protein forms L1118H.
Identifiers: ClinVar variation 1730533 (VCV001730533.7), dbSNP rs1165134160, ClinGen allele CA393085497.